The following is an entry in ClinVar:

ClinVar aggregate classification (germline): Benign (1 of 4 stars; one submission).

Conditions:
Hereditary diffuse gastric adenocarcinoma (HDGC). Also called: DIFFUSE GASTRIC AND LOBULAR BREAST CANCER SYNDROME. Identifiers: Orphanet 26106, MedGen C1708349, MONDO:0007648, OMIM 137215.

Submission:

Myriad Genetics, Inc.
Classification: Benign for Hereditary diffuse gastric adenocarcinoma. Last evaluated: 2024-09-18. Review status: criteria provided, single submitter. Criteria: Myriad Autosomal Dominant, Autosomal Recessive and X-Linked Classification Criteria (2023). Collection method: clinical testing. Allele origin: unknown.
Comment: This variant is considered benign. This variant is a silent/synonymous amino acid change and it is not expected to impact splicing.

NM_004360.5(CDH1):c.1377G>T (p.Val459=)

Gene: CDH1 (cadherin 1; plus strand). Cytogenetic location: 16q22.1.
Variant type: single nucleotide variant.
Coding change: c.1377G>T on transcript NM_004360.5 (MANE Select); coding-DNA position 1377, G replaced by T.
Protein change: p.Val459=; no amino-acid change (valine 459 retained).
Molecular consequence: synonymous variant. On other transcripts: 5 prime UTR variant (2).
Genome position (GRCh38, 1-based): chr16:68,815,571, G>T. VCF-style: chr16-68815571-G-T. GRCh37 (hg19) VCF-style: chr16-68849474-G-T.
Other names: c.1194G>T, p.Val398= (NM_001317184.2); c.-172G>T (NM_001317185.2); c.-443G>T (NM_001317186.2).
Identifiers: ClinVar variation 3379023 (VCV003379023.1).